The following is an entry in ClinVar:

ClinVar aggregate classification (germline): Conflicting classifications of pathogenicity. Review status: criteria provided, conflicting classifications (1 of 4 stars). 7 submissions from 7 submitters: Uncertain significance (5); Likely benign (1). 1 of the submissions does not count toward it. Last evaluated 2026-01-20.

Conditions:
Renal-hepatic-pancreatic dysplasia 1 (RHPD1). Identifiers: MedGen C3715199, MONDO:0008833, OMIM 208540.
Nephronophthisis 3 (NPHP3). Also called: Adolescent nephronophthisis. Identifiers: Orphanet 655, MedGen C1858392, MONDO:0011456, OMIM 604387.
NPHP3-related Meckel-like syndrome. Also called: Meckel syndrome type 7; GOLDSTON SYNDROME. Identifiers: Orphanet 3032, MedGen C2673885, MONDO:0009966, OMIM 267010.
NPHP3-related disorder. Also called: NPHP3-related disorders; NPHP3-related condition. Identifiers: MedGen CN379163.
Nephronophthisis. Also called: Juvenile Nephronophthisis. Identifiers: Orphanet 655, MedGen C0687120, MONDO:0019005, HP:0000090.

Allele frequency attached by ClinVar (database versions not stated): gnomAD exomes 0.00006 and 0.00021; ExAC 0.00007; ESP Exome Variant Server 0.00008; gnomAD 0.00009; TOPMed 0.00019; 1000 Genomes Project 0.00060; 1000 Genomes Project 30x 0.00062.
gnomAD v4.1: 113 of 1,614,032 alleles (0.007%); highest among the groups gnomAD compares: Admixed American, 0.15%; no homozygotes.

Submissions (7):

Labcorp Genetics (formerly Invitae), Labcorp
Classification: Likely benign for Nephronophthisis. Last evaluated: 2026-01-20. Review status: criteria provided, single submitter. Criteria: Invitae Variant Classification Sherloc (09022015). Collection method: clinical testing. Allele origin: germline.

GeneDx
Classification: Uncertain significance. Last evaluated: 2025-10-23. Review status: criteria provided, single submitter. Criteria: GeneDx Variant Classification Process June 2021. Collection method: clinical testing. Allele origin: germline. Affected: yes.
Comment: In silico analysis supports that this missense variant has a deleterious effect on protein structure/function; This variant is associated with the following publications: (PMID: 28991257)

Mayo Clinic Laboratories, Mayo Clinic
Classification: Uncertain significance. Last evaluated: 2024-05-15. Review status: criteria provided, single submitter. Criteria: ACMG Guidelines, 2015. Collection method: clinical testing. Allele origin: germline. Observed: 2 variant alleles.
Comment: BS1

Blueprint Genetics
Classification: Uncertain significance. Last evaluated: 2022-12-28. Review status: criteria provided, single submitter. Criteria: ACMG Guidelines, 2015. Collection method: clinical testing. Allele origin: germline.

Fulgent Genetics
Classification: Uncertain significance for Renal-hepatic-pancreatic dysplasia 1; NPHP3-related Meckel-like syndrome; Nephronophthisis 3. Last evaluated: 2018-10-31. Review status: criteria provided, single submitter. Criteria: ACMG Guidelines, 2015. Collection method: clinical testing. Allele origin: unknown.

Eurofins Ntd Llc (ga)
Classification: Uncertain significance. Last evaluated: 2018-06-05. Review status: criteria provided, single submitter. Criteria: EGL ClinVar v180209 classification definitions. Collection method: clinical testing. Allele origin: germline. Observed: 6 variant alleles, 6 heterozygotes.

PreventionGenetics, part of Exact Sciences
Classification: Uncertain significance for NPHP3-related condition. Last evaluated: 2024-09-25. Review status: no assertion criteria provided. Collection method: clinical testing. Allele origin: germline. Not counted in ClinVar's aggregate classification.
Comment: The NPHP3 c.3896G>A variant is predicted to result in the amino acid substitution p.Gly1299Asp. This variant has been reported in the homozygous state in an individual with congenital heart defects (Jin et al. 2017. PubMed ID: 28991257). This variant is reported in 0.13% of alleles in individuals of Latino descent in gnomAD. Although we suspect that this variant may be benign, at this time, the clinical significance of this variant is uncertain due to the absence of conclusive functional and genetic evidence.

Literature cited by the submitters: PubMed 28991257 (cited by Mayo Clinic Laboratories, Mayo Clinic).

NM_153240.5(NPHP3):c.3896G>A (p.Gly1299Asp)

Genes: NPHP3 (nephrocystin 3; minus strand), NPHP3-ACAD11 (NPHP3-ACAD11 readthrough (NMD candidate); minus strand). Cytogenetic location: 3q22.1.
Variant type: single nucleotide variant.
Coding change: c.3896G>A on transcript NM_153240.5 (MANE Select); coding-DNA position 3896, G replaced by A.
Protein change: p.Gly1299Asp; replaces glycine 1299 with aspartic acid.
Molecular consequence: missense variant. On other transcripts: non-coding transcript variant (1).
Genome position (GRCh38, 1-based): chr3:132,682,007, C>T on the plus strand (G>A on the coding strand, the complement: NPHP3 is on the minus strand). VCF-style: chr3-132682007-C-T. GRCh37 (hg19) VCF-style: chr3-132400851-C-T.
Other names: p.Gly1299Asp; short protein forms G1299D.
Identifiers: ClinVar variation 291194 (VCV000291194.18), dbSNP rs190548695, ClinGen allele CA2621607.
Genomic context (GRCh38, chr3:132,682,007, plus strand): 5'-TGAGCTGTTTTTAAGCTAAACGTGTCTCCACTTGATGAATGGCGTGAAGGAGCTTTTCCA[C>T]CCAAGAGTGATGTTTCTGCTTCTTTTATTTCCATTGCCCTTTTGTATAATTCAGCAGCTT-3'
Protein context (NP_694972.3, residues 1289-1309): EIKEAETSLL[Gly1299Asp]GKAPSRHSSS